The following is an entry in ClinVar:

ClinVar aggregate classification (germline): Uncertain significance (1 of 4 stars; one submission).

Submission:

Ambry Genetics
Classification: Uncertain significance. Last evaluated: 2024-07-27. Review status: criteria provided, single submitter. Criteria: Ambry Variant Classification Scheme 2023. Collection method: clinical testing. Allele origin: germline.
Comment: The p.S1111R variant (also known as c.3331A>C), located in coding exon 4 of the ALPK2 gene, results from an A to C substitution at nucleotide position 3331. The serine at codon 1111 is replaced by arginine, an amino acid with dissimilar properties. This amino acid position is conserved. In addition, this alteration is predicted to be tolerated by in silico analysis. Based on the available evidence, the clinical significance of this variant remains unclear.

NM_052947.4(ALPK2):c.3331A>C (p.Ser1111Arg)

Gene: ALPK2 (alpha kinase 2; minus strand). Cytogenetic location: 18q21.31.
Variant type: single nucleotide variant.
Coding change: c.3331A>C on transcript NM_052947.4 (MANE Select); coding-DNA position 3331, A replaced by C.
Protein change: p.Ser1111Arg; replaces serine 1111 with arginine.
Molecular consequence: missense variant.
Genome position (GRCh38, 1-based): chr18:58,536,856, T>G on the plus strand (A>C on the coding strand, the complement: ALPK2 is on the minus strand). VCF-style: chr18-58536856-T-G. GRCh37 (hg19) VCF-style: chr18-56204088-T-G.
Other names: short protein forms S1111R.
Identifiers: ClinVar variation 3530930 (VCV003530930.1).